The following is an entry in ClinVar:

ClinVar aggregate classification (germline): Uncertain significance (1 of 4 stars; one submission).

Submission:

Labcorp Genetics (formerly Invitae), Labcorp
Classification: Uncertain significance. Last evaluated: 2021-06-17. Review status: criteria provided, single submitter. Criteria: Invitae Variant Classification Sherloc (09022015). Collection method: clinical testing. Allele origin: germline.
Comment: In summary, the available evidence is currently insufficient to determine the role of this variant in disease. Therefore, it has been classified as a Variant of Uncertain Significance. This variant has not been reported in the literature in individuals with UBR1-related conditions. This variant results in a copy number gain of the genomic region encompassing exon(s) 1-9 of the UBR1 gene. This region includes the initiator codon of the gene. The 5' end of this event is unknown as it extends beyond the assayed region for this gene and therefore may encompass additional genes. The 3' boundary is likely confined to intron 9 of the UBR1 gene. As the precise location of this event is unknown, it may be in tandem or it may be located elsewhere in the genome.

NC_000015.9:g.(?_43351263)_(43398220_?)dup

Gene: UBR1 (ubiquitin protein ligase E3 component n-recognin 1; minus strand). Cytogenetic location: 15q15.2.
Variant type: Duplication.
Identifiers: ClinVar variation 2427522 (VCV002427522.4).